The following is an entry in ClinVar:

NM_017780.4(CHD7):c.3523-19A>G

Gene: CHD7 (chromodomain helicase DNA binding protein 7; plus strand). Cytogenetic location: 8q12.2.
Variant type: single nucleotide variant.
Coding change: c.3523-19A>G on transcript NM_017780.4 (MANE Select); 19 bases into the intron before coding-DNA position 3523, A replaced by G.
Molecular consequence: intron variant.
Genome position (GRCh38, 1-based): chr8:60,830,303, A>G. VCF-style: chr8-60830303-A-G. GRCh37 (hg19) VCF-style: chr8-61742862-A-G.
Other names: c.1717-31926A>G (NM_001316690.1).
Identifiers: ClinVar variation 4855402 (VCV004855402.1).
Genomic context (GRCh38, chr8:60,830,303, plus strand): 5'-TCCTGATGTTTCATGTTAAAATATGTTTTAACTTGCAAGCAAATCATGACACTAGTATTT[A>G]CTTAAGGTCCTTTTTTAGGTGCAAAAACTTCAAGCTATTCTAAAGCCAATGATGTTGAGA-3'

ClinVar aggregate classification (germline): Uncertain significance (1 of 4 stars; one submission).

Conditions:
CHD7-related CHARGE syndrome. Identifiers: MedGen CN380413, MONDO:1010178, OMIM 214800.

Submission:

3billion
Classification: Uncertain significance for CHD7-related CHARGE syndrome. Last evaluated: 2025-12-29. Review status: criteria provided, single submitter. Criteria: ACMG Guidelines, 2015. Collection method: clinical testing. Allele origin: germline. Affected: yes.
Comment: The variant is not observed in the gnomAD v4.1.0 dataset. Predicted Consequence/Location: Intron variant In silico tools predict the variant to alter splicing and produce an abnormal transcript [SpliceAI: 0.41 (>=0.2, moderate evidence for spliceogenicity)]. Therefore, this variant is classified as VUS according to the recommendation of ACMG/AMP guideline.